The following is an entry in ClinVar:

NM_152703.5(SAMD9L):c.235T>G (p.Ser79Ala)

Gene: SAMD9L (sterile alpha motif domain containing 9 like; minus strand). Cytogenetic location: 7q21.2.
Variant type: single nucleotide variant.
Coding change: c.235T>G on transcript NM_152703.5 (MANE Select); coding-DNA position 235, T replaced by G.
Protein change: p.Ser79Ala; replaces serine 79 with alanine.
Molecular consequence: missense variant.
Genome position (GRCh38, 1-based): chr7:93,135,737, A>C on the plus strand (T>G on the coding strand, the complement: SAMD9L is on the minus strand). VCF-style: chr7-93135737-A-C. GRCh37 (hg19) VCF-style: chr7-92765050-A-C.
Other names: c.235T>G, p.Ser79Ala (NM_001303496.3, NM_001303497.3, NM_001303498.3 and 5 more transcripts); short protein forms S79A.
Identifiers: ClinVar variation 4630080 (VCV004630080.1).

ClinVar aggregate classification (germline): Uncertain significance (1 of 4 stars; one submission).

Conditions:
Inborn genetic diseases. Identifiers: MedGen C0950123, MeSH D030342.

Submission:

Ambry Genetics
Classification: Uncertain significance for Inborn genetic diseases. Last evaluated: 2025-10-26. Review status: criteria provided, single submitter. Criteria: Ambry Variant Classification Scheme 2023. Collection method: clinical testing. Allele origin: germline.
Comment: The p.S79A variant (also known as c.235T>G), located in coding exon 1 of the SAMD9L gene, results from a T to G substitution at nucleotide position 235. The serine at codon 79 is replaced by alanine, an amino acid with similar properties. This amino acid position is conserved. In addition, this alteration is predicted to be tolerated by in silico analysis. Based on the available evidence, the clinical significance of this variant remains unclear.